The following is an entry in ClinVar:

ClinVar aggregate classification (germline): Likely benign (1 of 4 stars; one submission).

Conditions:
COL12A1-related disorder. Also called: COL12A1-related condition.

gnomAD v4.1: 5 of 1,613,328 alleles (0.00031%); highest among the groups gnomAD compares: African/African-American, 0.0053%; no homozygotes.

Submission:

PreventionGenetics, part of Exact Sciences
Classification: Likely benign for COL12A1-related condition. Last evaluated: 2025-02-02. Review status: criteria provided, single submitter. Criteria: ACMG Guidelines, 2015. Collection method: clinical testing. Allele origin: germline.
Comment: This variant is classified as likely benign based on ACMG/AMP sequence variant interpretation guidelines (Richards et al. 2015 PMID: 25741868, with internal and published modifications).

NM_004370.6(COL12A1):c.5454T>C (p.Pro1818=)

Gene: COL12A1 (collagen type XII alpha 1 chain; minus strand). Cytogenetic location: 6q13.
Variant type: single nucleotide variant.
Coding change: c.5454T>C on transcript NM_004370.6 (MANE Select); coding-DNA position 5454, T replaced by C.
Protein change: p.Pro1818=; no amino-acid change (proline 1818 retained).
Molecular consequence: synonymous variant.
Genome position (GRCh38, 1-based): chr6:75,134,796, A>G on the plus strand (T>C on the coding strand, the complement: COL12A1 is on the minus strand). VCF-style: chr6-75134796-A-G. GRCh37 (hg19) VCF-style: chr6-75844512-A-G.
Other names: c.5454T>C, p.Pro1818= (NM_001424113.1); c.5433T>C, p.Pro1811= (NM_001424114.1); c.5181T>C, p.Pro1727= (NM_001424115.1); c.1962T>C, p.Pro654= (NM_001424116.1, NM_080645.3).
Identifiers: ClinVar variation 4986657 (VCV004986657.1).